The following is an entry in ClinVar:

ClinVar aggregate classification (germline): Likely pathogenic (1 of 4 stars; one submission).

Allele frequency attached by ClinVar (database versions not stated): gnomAD exomes below 0.00001.
gnomAD v4.1: 1 of 1,612,936 alleles (0.000062%); highest among the groups gnomAD compares: South Asian, 0.0011%; no homozygotes.

Submission:

Labcorp Genetics (formerly Invitae), Labcorp
Classification: Likely pathogenic. Last evaluated: 2023-07-19. Review status: criteria provided, single submitter. Criteria: Invitae Variant Classification Sherloc (09022015). Collection method: clinical testing. Allele origin: germline.
Comment: This sequence change affects an acceptor splice site in intron 2 of the NALCN gene. It is expected to disrupt RNA splicing. Variants that disrupt the donor or acceptor splice site typically lead to a loss of protein function (PMID: 16199547), and loss-of-function variants in NALCN are known to be pathogenic (PMID: 23749988, 24075186). This variant is not present in population databases (gnomAD no frequency). This variant has not been reported in the literature in individuals affected with NALCN-related conditions. Algorithms developed to predict the effect of sequence changes on RNA splicing suggest that this variant may disrupt the consensus splice site. In summary, the currently available evidence indicates that the variant is pathogenic, but additional data are needed to prove that conclusively. Therefore, this variant has been classified as Likely Pathogenic.

Literature cited by the submitters: PubMed 16199547; PubMed 23749988; PubMed 24075186.

NM_052867.4(NALCN):c.109-1G>T

Gene: NALCN (sodium leak channel, non-selective; minus strand). Cytogenetic location: 13q33.1.
Variant type: single nucleotide variant.
Coding change: c.109-1G>T on transcript NM_052867.4 (MANE Select); the canonical splice acceptor site of the intron before coding-DNA position 109, G replaced by T.
Molecular consequence: splice acceptor variant.
Genome position (GRCh38, 1-based): chr13:101,395,366, C>A on the plus strand (G>T on the coding strand, the complement: NALCN is on the minus strand). VCF-style: chr13-101395366-C-A. GRCh37 (hg19) VCF-style: chr13-102047717-C-A.
Other names: c.109-1G>T (NM_001350751.2, NM_001350749.2, NM_001350750.2 and 1 more transcripts).
Identifiers: ClinVar variation 2722784 (VCV002722784.3), dbSNP rs2548615108, ClinGen allele CA388707177.